The following is an entry in ClinVar:

NM_002778.4(PSAP):c.1404G>C (p.Glu468Asp)

Gene: PSAP (prosaposin; minus strand). Cytogenetic location: 10q22.1.
Variant type: single nucleotide variant.
Coding change: c.1404G>C on transcript NM_002778.4 (MANE Select); coding-DNA position 1404, G replaced by C.
Protein change: p.Glu468Asp; replaces glutamic acid 468 with aspartic acid.
Molecular consequence: missense variant.
Genome position (GRCh38, 1-based): chr10:71,819,058, C>G on the plus strand (G>C on the coding strand, the complement: PSAP is on the minus strand). VCF-style: chr10-71819058-C-G. GRCh37 (hg19) VCF-style: chr10-73578815-C-G.
Other names: c.1413G>C, p.Glu471Asp (NM_001042465.3); c.1410G>C, p.Glu470Asp (NM_001042466.3); short protein forms E468D, E470D, E471D.
Identifiers: ClinVar variation 1936591 (VCV001936591.5), dbSNP rs897233940, ClinGen allele CA209453521.

ClinVar aggregate classification (germline): Uncertain significance (1 of 4 stars; one submission).

Conditions:
Sphingolipid activator protein 1 deficiency. Also called: Metachromatic leukodystrophy due to saposin B deficiency; Saposin B Deficiency; METACHROMATIC LEUKODYSTROPHY DUE TO CEREBROSIDE SULFATASE ACTIVATOR DEFICIENCY. Identifiers: Orphanet 512, MedGen C0268262, MONDO:0009590, OMIM 249900.

Allele frequency attached by ClinVar (database versions not stated): TOPMed 0.00002.

Submission:

Labcorp Genetics (formerly Invitae), Labcorp
Classification: Uncertain significance for Sphingolipid activator protein 1 deficiency. Last evaluated: 2023-11-27. Review status: criteria provided, single submitter. Criteria: Invitae Variant Classification Sherloc (09022015). Collection method: clinical testing. Allele origin: germline.
Comment: This sequence change replaces glutamic acid, which is acidic and polar, with aspartic acid, which is acidic and polar, at codon 468 of the PSAP protein (p.Glu468Asp). This variant is not present in population databases (gnomAD no frequency). This variant has not been reported in the literature in individuals affected with PSAP-related conditions. ClinVar contains an entry for this variant (Variation ID: 1936591). Advanced modeling of protein sequence and biophysical properties (such as structural, functional, and spatial information, amino acid conservation, physicochemical variation, residue mobility, and thermodynamic stability) performed at Invitae indicates that this missense variant is not expected to disrupt PSAP protein function with a negative predictive value of 80%. In summary, the available evidence is currently insufficient to determine the role of this variant in disease. Therefore, it has been classified as a Variant of Uncertain Significance.